The following is an entry in ClinVar:

NM_004204.5(PIGQ):c.1621G>A (p.Val541Met)

Gene: PIGQ (phosphatidylinositol glycan anchor biosynthesis class Q; plus strand). Cytogenetic location: 16p13.3.
Variant type: single nucleotide variant.
Coding change: c.1621G>A on transcript NM_004204.5 (MANE Select); coding-DNA position 1621, G replaced by A.
Protein change: p.Val541Met; replaces valine 541 with methionine.
Molecular consequence: missense variant.
Genome position (GRCh38, 1-based): chr16:582,910, G>A. VCF-style: chr16-582910-G-A. GRCh37 (hg19) VCF-style: chr16-632910-G-A.
Other names: c.1559G>A, p.Gly520Asp (NM_148920.4); short protein forms V541M, G520D.
Identifiers: ClinVar variation 2183613 (VCV002183613.2), dbSNP rs747221267, ClinGen allele CA7780493.

ClinVar aggregate classification (germline): Uncertain significance (1 of 4 stars; one submission).

Conditions:
Epilepsy. Also called: Seizure disorder. Identifiers: MedGen C0014544, MeSH D004827, MONDO:0005027.

Allele frequency attached by ClinVar (database versions not stated): gnomAD 0.00001.
gnomAD v4.1: 23 of 1,611,088 alleles (0.0014%); highest among the groups gnomAD compares: East Asian, 0.0022%; no homozygotes.

Submission:

Labcorp Genetics (formerly Invitae), Labcorp
Classification: Uncertain significance for Epilepsy. Last evaluated: 2022-07-21. Review status: criteria provided, single submitter. Criteria: Invitae Variant Classification Sherloc (09022015). Collection method: clinical testing. Allele origin: germline.
Comment: In summary, the available evidence is currently insufficient to determine the role of this variant in disease. Therefore, it has been classified as a Variant of Uncertain Significance. Algorithms developed to predict the effect of missense changes on protein structure and function (SIFT, PolyPhen-2, Align-GVGD) all suggest that this variant is likely to be tolerated. This variant has not been reported in the literature in individuals affected with PIGQ-related conditions. The frequency data for this variant in the population databases is considered unreliable, as metrics indicate poor data quality at this position in the gnomAD database. This sequence change replaces valine, which is neutral and non-polar, with methionine, which is neutral and non-polar, at codon 541 of the PIGQ protein (p.Val541Met).